The following is an entry in ClinVar:

ClinVar aggregate classification (germline): Benign/Likely benign. Review status: criteria provided, multiple submitters, no conflicts (2 of 4 stars). 3 submissions from 3 submitters: Benign (1); Likely benign (2). Last evaluated 2026-01-24.

Conditions:
Nemaline myopathy 10 (NEM10). Identifiers: MedGen C4015360, MONDO:0014513, OMIM 616165.

Allele frequency attached by ClinVar (database versions not stated): gnomAD exomes 0.00035 and 0.00083; ExAC 0.00094; 1000 Genomes Project 0.00300; 1000 Genomes Project 30x 0.00344; gnomAD 0.00357 and 0.00383; ESP Exome Variant Server 0.00395; TOPMed 0.00399.
gnomAD v4.1: 1,093 of 1,613,846 alleles (0.068%); highest among the groups gnomAD compares: African/African-American, 1.2%; 5 homozygotes.

Submissions (3):

Labcorp Genetics (formerly Invitae), Labcorp
Classification: Benign for Nemaline myopathy 10. Last evaluated: 2026-01-24. Review status: criteria provided, single submitter. Criteria: Invitae Variant Classification Sherloc (09022015). Collection method: clinical testing. Allele origin: germline.

CeGaT Center for Human Genetics Tuebingen
Classification: Likely benign. Last evaluated: 2025-11-01. Review status: criteria provided, single submitter. Criteria: CeGaT Center For Human Genetics Tuebingen Variant Classification Criteria Version 2. Collection method: clinical testing. Allele origin: germline. Affected: yes. Observed: 2 variant alleles.
Comment: LMOD3: BS1

GeneDx
Classification: Likely benign. Last evaluated: 2020-11-04. Review status: criteria provided, single submitter. Criteria: GeneDx Variant Classification Process June 2021. Collection method: clinical testing. Allele origin: germline. Affected: yes.

NM_198271.5(LMOD3):c.1257G>C (p.Met419Ile)

Gene: LMOD3 (leiomodin 3; minus strand). Cytogenetic location: 3p14.1.
Variant type: single nucleotide variant.
Coding change: c.1257G>C on transcript NM_198271.5 (MANE Select); coding-DNA position 1257, G replaced by C.
Protein change: p.Met419Ile; replaces methionine 419 with isoleucine.
Molecular consequence: missense variant.
Genome position (GRCh38, 1-based): chr3:69,119,098, C>G on the plus strand (G>C on the coding strand, the complement: LMOD3 is on the minus strand). VCF-style: chr3-69119098-C-G. GRCh37 (hg19) VCF-style: chr3-69168249-C-G.
Other names: c.1257G>C, p.Met419Ile (NM_001304418.3); short protein forms M419I.
Identifiers: ClinVar variation 475298 (VCV000475298.39), dbSNP rs75713718, ClinGen allele CA2488831.